The following is an entry in ClinVar:

NM_001367949.2(FAT3):c.9607A>G (p.Ile3203Val)

Gene: FAT3 (FAT atypical cadherin 3; plus strand). Cytogenetic location: 11q14.3.
Variant type: single nucleotide variant.
Coding change: c.9607A>G on transcript NM_001367949.2 (MANE Select); coding-DNA position 9607, A replaced by G.
Protein change: p.Ile3203Val; replaces isoleucine 3203 with valine.
Molecular consequence: missense variant.
Genome position (GRCh38, 1-based): chr11:92,831,747, A>G. VCF-style: chr11-92831747-A-G. GRCh37 (hg19) VCF-style: chr11-92564913-A-G.
Other names: c.9607A>G, p.Ile3203Val (NM_001008781.3); short protein forms I3203V.
Identifiers: ClinVar variation 3043056 (VCV003043056.2), dbSNP rs139337740, ClinGen allele CA6227880.

ClinVar aggregate classification (germline): Likely benign (0 of 4 stars; one submission).

Conditions:
FAT3-related disorder. Also called: FAT3-related condition.

Allele frequency attached by ClinVar (database versions not stated): ESP Exome Variant Server 0.00047; gnomAD 0.00075; TOPMed 0.00088; gnomAD exomes 0.00090; ExAC 0.00181; 1000 Genomes Project 0.00200; 1000 Genomes Project 30x 0.00203.
gnomAD v4.1: 1,435 of 1,613,540 alleles (0.089%); highest among the groups gnomAD compares: South Asian, 0.54%; 9 homozygotes.

Submission:

PreventionGenetics, part of Exact Sciences
Classification: Likely benign for FAT3-related condition. Last evaluated: 2019-06-28. Review status: no assertion criteria provided. Collection method: clinical testing. Allele origin: germline.
Comment: This variant is classified as likely benign based on ACMG/AMP sequence variant interpretation guidelines (Richards et al. 2015 PMID: 25741868, with internal and published modifications).